The following is an entry in ClinVar:

NM_002291.3(LAMB1):c.1528T>C (p.Cys510Arg)

Gene: LAMB1 (laminin subunit beta 1; minus strand). Cytogenetic location: 7q31.1.
Variant type: single nucleotide variant.
Coding change: c.1528T>C on transcript NM_002291.3 (MANE Select); coding-DNA position 1528, T replaced by C.
Protein change: p.Cys510Arg; replaces cysteine 510 with arginine.
Molecular consequence: missense variant.
Genome position (GRCh38, 1-based): chr7:107,973,026, A>G on the plus strand (T>C on the coding strand, the complement: LAMB1 is on the minus strand). VCF-style: chr7-107973026-A-G. GRCh37 (hg19) VCF-style: chr7-107613471-A-G.
Other names: short protein forms C510R.
Identifiers: ClinVar variation 4056574 (VCV004056574.1).

ClinVar aggregate classification (germline): Uncertain significance (1 of 4 stars; one submission).

Conditions:
Cobblestone lissencephaly without muscular or ocular involvement. Also called: Lissencephaly 5; LEUKOENCEPHALOPATHY WITH VARIABLE CORTICAL BRAIN MALFORMATIONS AND/OR HYDROCEPHALUS. Identifiers: Orphanet 352682, MedGen C3554657, MONDO:0014077, OMIM 615191.

Submission:

Laboratorio de Genetica e Diagnostico Molecular, Hospital Israelita Albert Einstein
Classification: Uncertain significance for Cobblestone lissencephaly without muscular or ocular involvement. Last evaluated: 2024-09-24. Review status: criteria provided, single submitter. Criteria: ACMG Guidelines, 2015. Collection method: clinical testing. Allele origin: germline. Affected: yes.
Comment: ACMG classification criteria: PM2 supporting, PP3 supporting